The following is an entry in ClinVar:

ClinVar aggregate classification (germline): Uncertain significance (1 of 4 stars; one submission).

Conditions:
Dystonia 24 (DYT24). Also called: DYT-ANO3. Identifiers: Orphanet 420485, MedGen C3554374, MONDO:0014019, OMIM 615034.

Submission:

Juno Genomics, Hangzhou Juno Genomics, Inc
Classification: Uncertain significance for Dystonia 24. Review status: criteria provided, single submitter. Criteria: ACMG Guidelines, 2015. Collection method: clinical testing. Allele origin: germline. Affected: yes.
Comment: Absent from controls (or at extremely low frequency if recessive) in Genome Aggregation Database, Exome Sequencing Project, 1000 Genomes Project, or Exome Aggregation Consortium.

NM_001313726.2(ANO3):c.118C>T (p.Gln40Ter)

Gene: ANO3 (anoctamin 3; plus strand). Cytogenetic location: 11p14.3.
Variant type: single nucleotide variant.
Coding change: c.118C>T on transcript NM_001313726.2; coding-DNA position 118, C replaced by T.
Protein change: p.Gln40Ter; replaces glutamine 40 with a stop codon.
Molecular consequence: nonsense.
Genome position (GRCh38, 1-based): chr11:26,189,294, C>T. VCF-style: chr11-26189294-C-T. GRCh37 (hg19) VCF-style: chr11-26210841-C-T.
Other names: short protein forms Q40*.
Identifiers: ClinVar variation 3381921 (VCV003381921.1).